The following is an entry in ClinVar:

ClinVar aggregate classification (germline): Uncertain significance. Review status: criteria provided, multiple submitters, no conflicts (2 of 4 stars). 4 submissions from 4 submitters: Uncertain significance (4). Last evaluated 2024-08-20.

Conditions:
Combined oxidative phosphorylation defect type 11. Also called: ENCEPHALONEUROMYOPATHY, INFANTILE, DUE TO MITOCHONDRIAL TRANSLATION DEFECT; Combined oxidative phosphorylation deficiency 11. Identifiers: Orphanet 324535, MedGen C5190991, MONDO:0013969, OMIM 614922.

Allele frequency attached by ClinVar (database versions not stated): gnomAD exomes 0.00001 and 0.00005; ExAC 0.00002; gnomAD 0.00003; TOPMed 0.00003; ESP Exome Variant Server 0.00015.
gnomAD v4.1: 79 of 1,614,088 alleles (0.0049%); highest among the groups gnomAD compares: Non-Finnish European, 0.0059%; no homozygotes.

Submissions (4):

GeneDx
Classification: Uncertain significance. Last evaluated: 2024-08-20. Review status: criteria provided, single submitter. Criteria: GeneDx Variant Classification Process June 2021. Collection method: clinical testing. Allele origin: germline. Affected: yes.
Comment: Not observed at significant frequency in large population cohorts (gnomAD); In silico analysis indicates that this missense variant does not alter protein structure/function; Has not been previously published as pathogenic or benign to our knowledge

Labcorp Genetics (formerly Invitae), Labcorp
Classification: Uncertain significance. Last evaluated: 2024-02-17. Review status: criteria provided, single submitter. Criteria: Invitae Variant Classification Sherloc (09022015). Collection method: clinical testing. Allele origin: germline.
Comment: This sequence change replaces asparagine, which is neutral and polar, with serine, which is neutral and polar, at codon 63 of the RMND1 protein (p.Asn63Ser). This variant is present in population databases (rs374223733, gnomAD 0.002%). This variant has not been reported in the literature in individuals affected with RMND1-related conditions. ClinVar contains an entry for this variant (Variation ID: 1395019). Algorithms developed to predict the effect of missense changes on protein structure and function output the following: SIFT: "Not Available"; PolyPhen-2: "Benign"; Align-GVGD: "Not Available". The serine amino acid residue is found in multiple mammalian species, which suggests that this missense change does not adversely affect protein function. Algorithms developed to predict the effect of sequence changes on RNA splicing suggest that this variant may create or strengthen a splice site. In summary, the available evidence is currently insufficient to determine the role of this variant in disease. Therefore, it has been classified as a Variant of Uncertain Significance.

Mayo Clinic Laboratories, Mayo Clinic
Classification: Uncertain significance. Last evaluated: 2023-06-15. Review status: criteria provided, single submitter. Criteria: ACMG Guidelines, 2015. Collection method: clinical testing. Allele origin: germline. Observed: 1 variant allele.
Comment: BP4, PM2_moderate

Fulgent Genetics
Classification: Uncertain significance for Combined oxidative phosphorylation defect type 11. Last evaluated: 2021-08-12. Review status: criteria provided, single submitter. Criteria: ACMG Guidelines, 2015. Collection method: clinical testing. Allele origin: unknown.

NM_017909.4(RMND1):c.188A>G (p.Asn63Ser)

Gene: RMND1 (required for meiotic nuclear division 1 homolog; minus strand). Cytogenetic location: 6q25.1.
Variant type: single nucleotide variant.
Coding change: c.188A>G on transcript NM_017909.4 (MANE Select); coding-DNA position 188, A replaced by G.
Protein change: p.Asn63Ser; replaces asparagine 63 with serine.
Molecular consequence: missense variant. On other transcripts: intron variant (1).
Genome position (GRCh38, 1-based): chr6:151,445,624, T>C on the plus strand (A>G on the coding strand, the complement: RMND1 is on the minus strand). VCF-style: chr6-151445624-T-C. GRCh37 (hg19) VCF-style: chr6-151766759-T-C.
Other names: p.Asn63Ser; c.-7+6392A>G (NM_001271937.2); c.188A>G (NM_017909.2); short protein forms N63S.
Identifiers: ClinVar variation 1395019 (VCV001395019.9), dbSNP rs374223733, ClinGen allele CA4051082.